The following is an entry in ClinVar:

NM_001130009.3(GEN1):c.1522A>C (p.Asn508His)

Gene: GEN1 (GEN1 Holliday junction 5' flap endonuclease; plus strand). Cytogenetic location: 2p24.2.
Variant type: single nucleotide variant.
Coding change: c.1522A>C on transcript NM_001130009.3 (MANE Select); coding-DNA position 1522, A replaced by C.
Protein change: p.Asn508His; replaces asparagine 508 with histidine.
Molecular consequence: missense variant.
Genome position (GRCh38, 1-based): chr2:17,780,734, A>C. VCF-style: chr2-17780734-A-C. GRCh37 (hg19) VCF-style: chr2-17962001-A-C.
Other names: c.1522A>C, p.Asn508His (NM_182625.5); short protein forms N508H.
Identifiers: ClinVar variation 4029224 (VCV004029224.1).

ClinVar aggregate classification (germline): Uncertain significance (1 of 4 stars; one submission).

gnomAD v4.1: 1 of 1,613,990 alleles (0.000062%); highest among the groups gnomAD compares: Non-Finnish European, 0.000085%; no homozygotes.

Submission:

Ambry Genetics
Classification: Uncertain significance. Last evaluated: 2025-04-13. Review status: criteria provided, single submitter. Criteria: Ambry Variant Classification Scheme 2023. Collection method: clinical testing. Allele origin: germline.
Comment: The p.N508H variant (also known as c.1522A>C), located in coding exon 13 of the GEN1 gene, results from an A to C substitution at nucleotide position 1522. The asparagine at codon 508 is replaced by histidine, an amino acid with similar properties. This amino acid position is conserved. In addition, this alteration is predicted to be tolerated by in silico analysis. Based on the available evidence, the clinical significance of this variant remains unclear.